The following is an entry in ClinVar:

ClinVar aggregate classification (germline): Conflicting classifications of pathogenicity. Review status: criteria provided, conflicting classifications (1 of 4 stars). 3 submissions from 3 submitters: Likely pathogenic (1); Uncertain significance (1). 1 of the submissions does not count toward it. Last evaluated 2025-01-29.

Conditions:
CNGB3-related disorder. Also called: CNGB3-related disorders; CNGB3-related condition. Identifiers: MedGen CN239340.
Achromatopsia. Also called: Rod monochromatism. Identifiers: Orphanet 49382, MedGen C0152200, MONDO:0018852, HP:0011516.

Allele frequency attached by ClinVar (database versions not stated): gnomAD exomes below 0.00001 and 0.00001.
gnomAD v4.1: 9 of 1,613,390 alleles (0.00056%); highest among the groups gnomAD compares: Non-Finnish European, 0.00076%; no homozygotes.

Submissions (3):

Women's Health and Genetics/Laboratory Corporation of America, LabCorp
Classification: Uncertain significance. Last evaluated: 2025-01-29. Review status: criteria provided, single submitter. Criteria: LabCorp Variant Classification Summary - May 2015. Collection method: clinical testing. Allele origin: germline.
Comment: Variant summary: CNGB3 c.1700G>A (p.Gly567Glu) results in a non-conservative amino acid change located in the cAMP-binding domain-like domain (IPR018490) of the encoded protein sequence. Five of five in-silico tools predict a damaging effect of the variant on protein function. The variant allele was found at a frequency of 4e-06 in 251084 control chromosomes. c.1700G>A has been reported in the literature in at least one homozygous and one compound heterozygous individual affected with Achromatopsia (e.g. Jespersgaard_2019, Andersen_2023). These data indicate that the variant may be associated with disease. To our knowledge, no experimental evidence demonstrating an impact on protein function has been reported.The following publications have been ascertained in the context of this evaluation (PMID: 36980963, 30718709). ClinVar contains an entry for this variant (Variation ID: 77449). Based on the evidence outlined above, the variant was classified as VUS-possibly pathogenic.

Blueprint Genetics
Classification: Likely pathogenic for CNGB3-related disorders. Last evaluated: 2020-02-03. Review status: criteria provided, single submitter. Criteria: ACMG Guidelines, 2015. Collection method: clinical testing. Allele origin: germline. Affected: yes. Observed: 2 variant alleles.

Department of Clinical Genetics, Copenhagen University Hospital, Rigshospitalet
Classification: Likely pathogenic for Achromatopsia. Last evaluated: 2018-04-01. Review status: no assertion criteria provided. Collection method: research. Allele origin: unknown. Affected: yes. Study: VeluxRD. Not counted in ClinVar's aggregate classification.

Literature cited by the submitters: PubMed 30718709 (cited by Women's Health and Genetics/Laboratory Corporation of America, LabCorp and Department of Clinical Genetics, Copenhagen University Hospital, Rigshospitalet); PubMed 29641573 (cited by Women's Health and Genetics/Laboratory Corporation of America, LabCorp); PubMed 36980963 (cited by Women's Health and Genetics/Laboratory Corporation of America, LabCorp).

NM_019098.5(CNGB3):c.1700G>A (p.Gly567Glu)

Gene: CNGB3 (cyclic nucleotide gated channel subunit beta 3; minus strand). Cytogenetic location: 8q21.3.
Variant type: single nucleotide variant.
Coding change: c.1700G>A on transcript NM_019098.5 (MANE Select); coding-DNA position 1700, G replaced by A.
Protein change: p.Gly567Glu; replaces glycine 567 with glutamic acid.
Molecular consequence: missense variant.
Genome position (GRCh38, 1-based): chr8:86,604,174, C>T on the plus strand (G>A on the coding strand, the complement: CNGB3 is on the minus strand). VCF-style: chr8-86604174-C-T. GRCh37 (hg19) VCF-style: chr8-87616402-C-T.
Other names: short protein forms G567E.
Identifiers: ClinVar variation 77449 (VCV000077449.5), dbSNP rs267602029, ClinGen allele CA180349086.
Genomic context (GRCh38, chr8:86,604,174, plus strand): 5'-CCAGCTTTCAGAGTAACCAGAACTTTAGTACCATCAGGGCCTCCAAGAACTTGGACTTCT[C>T]CATGCTTGATGATATACATTTCCTTGCCAATTTCTCCCTACATTTTAAATATAAAGAGGA-3'
Protein context (NP_061971.3, residues 557-577): IGKEMYIIKH[Gly567Glu]EVQVLGGPDG